The following is an entry in ClinVar:

ClinVar aggregate classification (germline): Uncertain significance (1 of 4 stars; one submission).

Conditions:
Inborn genetic diseases. Identifiers: MedGen C0950123, MeSH D030342.

gnomAD v4.1: 1 of 1,613,844 alleles (0.000062%); highest among the groups gnomAD compares: Non-Finnish European, 0.000085%; no homozygotes.

Submission:

Ambry Genetics
Classification: Uncertain significance for Inborn genetic diseases. Last evaluated: 2019-12-28. Review status: criteria provided, single submitter. Criteria: Ambry Variant Classification Scheme 2023. Collection method: clinical testing. Allele origin: germline.
Comment: The p.G284R variant (also known as c.850G>C), located in coding exon 8 of the PLEKHG5 gene, results from a G to C substitution at nucleotide position 850. The glycine at codon 284 is replaced by arginine, an amino acid with dissimilar properties. This amino acid position is highly conserved in available vertebrate species. In addition, this alteration is predicted to be deleterious by in silico analysis. Since supporting evidence is limited at this time, the clinical significance of this alteration remains unclear.

NM_020631.6(PLEKHG5):c.850G>C (p.Gly284Arg)

Gene: PLEKHG5 (pleckstrin homology and RhoGEF domain containing G5; minus strand). Cytogenetic location: 1p36.31.
Variant type: single nucleotide variant.
Coding change: c.850G>C on transcript NM_020631.6 (MANE Select); coding-DNA position 850, G replaced by C.
Protein change: p.Gly284Arg; replaces glycine 284 with arginine.
Molecular consequence: missense variant.
Genome position (GRCh38, 1-based): chr1:6,473,120, C>G on the plus strand (G>C on the coding strand, the complement: PLEKHG5 is on the minus strand). VCF-style: chr1-6473120-C-G. GRCh37 (hg19) VCF-style: chr1-6533180-C-G.
Other names: c.961G>C, p.Gly321Arg (NM_001042663.3, NM_001265592.2); c.850G>C, p.Gly284Arg (NM_001042664.2, NM_001042665.2, NM_001265594.3 and 1 more transcripts); c.1057G>C, p.Gly353Arg (NM_001265593.2); short protein forms G353R, G284R, G321R.
Identifiers: ClinVar variation 1763680 (VCV001763680.2), dbSNP rs569434019, ClinGen allele CA338134821.